The following is an entry in ClinVar:

NM_004655.4(AXIN2):c.2016C>A (p.Thr672=)

Gene: AXIN2 (axin 2; minus strand). Cytogenetic location: 17q24.1.
Variant type: single nucleotide variant.
Coding change: c.2016C>A on transcript NM_004655.4 (MANE Select); coding-DNA position 2016, C replaced by A.
Protein change: p.Thr672=; no amino-acid change (threonine 672 retained).
Molecular consequence: synonymous variant.
Genome position (GRCh38, 1-based): chr17:65,536,445, G>T on the plus strand (C>A on the coding strand, the complement: AXIN2 is on the minus strand). VCF-style: chr17-65536445-G-T. GRCh37 (hg19) VCF-style: chr17-63532563-G-T.
Other names: c.1821C>A, p.Thr607= (NM_001363813.1).
Identifiers: ClinVar variation 1784470 (VCV001784470.8), dbSNP rs1358201134, ClinGen allele CA501690956.

ClinVar aggregate classification (germline): Benign/Likely benign. Review status: criteria provided, multiple submitters, no conflicts (2 of 4 stars). 3 submissions from 3 submitters: Benign (1); Likely benign (2). Last evaluated 2024-07-22.

Conditions:
Oligodontia-cancer predisposition syndrome. Also called: TOOTH AGENESIS-COLORECTAL CANCER SYNDROME. Identifiers: Orphanet 300576, MedGen C1837750, MONDO:0012075, OMIM 608615. Disease mechanism: loss of function.
Hereditary cancer-predisposing syndrome. Also called: Neoplastic Syndromes, Hereditary; Tumor predisposition; Hereditary Cancer Syndrome; Hereditary neoplastic syndrome. Identifiers: Orphanet 140162, MedGen C0027672, MeSH D009386, MONDO:0015356.

Submissions (3):

Labcorp Genetics (formerly Invitae), Labcorp
Classification: Likely benign for Oligodontia-cancer predisposition syndrome. Last evaluated: 2024-07-22. Review status: criteria provided, single submitter. Criteria: Invitae Variant Classification Sherloc (09022015). Collection method: clinical testing. Allele origin: germline.

Myriad Genetics, Inc.
Classification: Benign for Oligodontia-cancer predisposition syndrome. Last evaluated: 2024-07-09. Review status: criteria provided, single submitter. Criteria: Myriad Autosomal Dominant, Autosomal Recessive and X-Linked Classification Criteria (2023). Collection method: clinical testing. Allele origin: unknown.
Comment: This variant is considered benign. This variant is a silent/synonymous amino acid change and it is not expected to impact splicing.

Ambry Genetics
Classification: Likely benign for Hereditary cancer-predisposing syndrome. Last evaluated: 2019-11-07. Review status: criteria provided, single submitter. Criteria: Ambry Variant Classification Scheme 2023. Collection method: clinical testing. Allele origin: germline.